The following is an entry in ClinVar:

ClinVar aggregate classification (germline): Pathogenic/Likely pathogenic. Review status: criteria provided, multiple submitters, no conflicts (2 of 4 stars). 4 submissions from 4 submitters: Pathogenic (1); Likely pathogenic (3). Last evaluated 2026-03-04.

Conditions:
Mucopolysaccharidosis, MPS-IV-A (MPS4A). Also called: MPS IVA; Morquio syndrome A, mild; GALACTOSAMINE-6-SULFATASE DEFICIENCY; GALNS DEFICIENCY; MORQUIO A DISEASE; Mucopolysaccharidosis type IV A. Identifiers: Orphanet 309297, Orphanet 582, MedGen C0086651, MONDO:0009659, OMIM 253000.
Morquio syndrome. Also called: Mucopolysaccharidosis type 4; Mucopolysaccharidosis, Type IV; MPS IV; Eccentrochondrodysplasia. Identifiers: Orphanet 582, MedGen C0026707, MONDO:0018938.

Submissions (4):

Women's Health and Genetics/Laboratory Corporation of America, LabCorp
Classification: Likely pathogenic for Morquio syndrome. Last evaluated: 2026-03-04. Review status: criteria provided, single submitter. Criteria: LabCorp Variant Classification Summary - May 2015. Collection method: clinical testing. Allele origin: germline.
Comment: Variant summary: GALNS c.1049T>C (p.Leu350Pro) results in a non-conservative amino acid change in the encoded protein sequence. Algorithms developed to predict the effect of missense changes on protein structure and function all suggest that this variant is likely to be disruptive. The variant was absent in 220546 control chromosomes. c.1049T>C has been observed in the homozygous state in individual(s) affected with Mucopolysaccharidosis Type IVA (Morquio Syndrome A)(e.g. Sheth_2022, Sheth_2024). These data indicate that the variant is likely associated with disease. At least one publication reports that GALNS enzyme activity in an affected homozygous individual was <10% of normal (e.g. Sheth_2022). The following publications have been ascertained in the context of this evaluation (PMID: 35729508, 38730490). ClinVar contains an entry for this variant (Variation ID: 873055). Based on the evidence outlined above, the variant was classified as likely pathogenic.

Labcorp Genetics (formerly Invitae), Labcorp
Classification: Pathogenic for Mucopolysaccharidosis, MPS-IV-A. Last evaluated: 2025-12-31. Review status: criteria provided, single submitter. Criteria: Invitae Variant Classification Sherloc (09022015). Collection method: clinical testing. Allele origin: germline.
Comment: This sequence change replaces leucine, which is neutral and non-polar, with proline, which is neutral and non-polar, at codon 350 of the GALNS protein (p.Leu350Pro). This variant is not present in population databases (gnomAD no frequency). This missense change has been observed in individual(s) with Mucopolysaccharidosis IVA (PMID: 35729508). ClinVar contains an entry for this variant (Variation ID: 873055). Invitae Evidence Modeling of protein sequence and biophysical properties (such as structural, functional, and spatial information, amino acid conservation, physicochemical variation, residue mobility, and thermodynamic stability) indicates that this missense variant is expected to disrupt GALNS protein function with a positive predictive value of 95%. For these reasons, this variant has been classified as Pathogenic.

Foundation for Research in Genetics and Endocrinology, FRIGE's Institute of Human Genetics
Classification: Likely pathogenic for Mucopolysaccharidosis, MPS-IV-A. Review status: criteria provided, single submitter. Criteria: ACMG Guidelines, 2015. Collection method: clinical testing. Allele origin: germline. Inheritance: Autosomal recessive inheritance. Affected: yes. Observed: 1 homozygote.
Comment: A homozygous missense variation in exon 10 of the GALNS gene that results in the amino acid substitution of Proline for Leucine at codon 350 was detected. The observed variant c.1049T>C (p.Leu350Pro)has not been reported in the 1000 genomes, gnomAD and ExAC databases. The in silico prediction of the variant is damaging by LRT and MutationTaster2. The reference codon is conserved across species. In summary, the variant meets our criteria to be classified as likely pathogenic.

Neuberg Centre For Genomic Medicine, NCGM
Classification: Likely pathogenic for Mucopolysaccharidosis, MPS-IV-A. Review status: criteria provided, single submitter. Criteria: ACMG Guidelines, 2015. Collection method: clinical testing. Allele origin: germline. Inheritance: Autosomal recessive inheritance. Affected: yes.
Comment: The missense variant c.1049T>C (p.Leu350Pro) in GALNS has been submitted to ClinVar as Likely pathogenic, but no details are available for independent assessment. The p.Leu350Pro variant is novel (not in any individuals) in gnomAD Exomes and 1000 Genomes. The amino acid Leu at position 350 is changed to a Pro changing protein sequence and it might alter its composition and physico-chemical properties. The amino acid change p.Leu350Pro in GALNS is predicted as conserved by GERP++ and PhyloP across 100 vertebrates. For these reasons, this variant has been classified as Likely Pathogenic.

Literature cited by the submitters: PubMed 38730490 (cited by Women's Health and Genetics/Laboratory Corporation of America, LabCorp); PubMed 35729508 (cited by Women's Health and Genetics/Laboratory Corporation of America, LabCorp and Labcorp Genetics (formerly Invitae), Labcorp).

NM_000512.5(GALNS):c.1049T>C (p.Leu350Pro)

Gene: GALNS (galactosamine (N-acetyl)-6-sulfatase; minus strand). Cytogenetic location: 16q24.3.
Variant type: single nucleotide variant.
Coding change: c.1049T>C on transcript NM_000512.5 (MANE Select); coding-DNA position 1049, T replaced by C.
Protein change: p.Leu350Pro; replaces leucine 350 with proline.
Molecular consequence: missense variant.
Genome position (GRCh38, 1-based): chr16:88,826,792, A>G on the plus strand (T>C on the coding strand, the complement: GALNS is on the minus strand). VCF-style: chr16-88826792-A-G. GRCh37 (hg19) VCF-style: chr16-88893200-A-G.
Other names: c.494T>C, p.Leu165Pro (NM_001323543.2); c.1067T>C, p.Leu356Pro (NM_001323544.2); short protein forms L356P, L165P, L350P.
Identifiers: ClinVar variation 873055 (VCV000873055.6), dbSNP rs1910973930, ClinGen allele CA397098478.